The following is an entry in ClinVar:

NM_000535.7(PMS2):c.555C>G (p.Val185=)

Gene: PMS2 (PMS1 homolog 2, mismatch repair system component; minus strand). Cytogenetic location: 7p22.1.
Variant type: single nucleotide variant.
Coding change: c.555C>G on transcript NM_000535.7 (MANE Select); coding-DNA position 555, C replaced by G.
Protein change: p.Val185=; no amino-acid change (valine 185 retained).
Molecular consequence: synonymous variant. On other transcripts: non-coding transcript variant (1), intron variant (3).
Genome position (GRCh38, 1-based): chr7:5,999,258, G>C on the plus strand (C>G on the coding strand, the complement: PMS2 is on the minus strand). VCF-style: chr7-5999258-G-C. GRCh37 (hg19) VCF-style: chr7-6038889-G-C.
Other names: c.150C>G, p.Val50= (NM_001322003.2, NM_001322004.2, NM_001322005.2 and 2 more transcripts); c.555C>G, p.Val185= (NM_001322006.2, NM_001322014.2); c.237C>G, p.Val79= (NM_001322007.2, NM_001322008.2); c.246C>G, p.Val82= (NM_001322015.2); c.133-1835C>G (NM_001322013.2); c.-347-32C>G (NM_001322012.2, NM_001322011.2).
Identifiers: ClinVar variation 388505 (VCV000388505.4), dbSNP rs759078497, ClinGen allele CA16605121.
Genomic context (GRCh38, chr7:5,999,258, plus strand): 5'-CTGATTGGTGCAACTTACACGGATGCCTGCTGAAATGATACAGTATGCATGTAAGACCTG[G>C]ACCATTTTGGCATACTCCTGTTTAAAAAACACAAACACAATATTCTACATTACTTTAATA-3'
Protein context (NP_000526.2, residues 175-195): RNIKKEYAKM[Val185=]QVLHAYCIIS

ClinVar aggregate classification (germline): Likely benign. Review status: criteria provided, multiple submitters, no conflicts (2 of 4 stars). 2 submissions from 2 submitters: Likely benign (2). Last evaluated 2023-12-24.

Conditions:
Hereditary nonpolyposis colorectal neoplasms. Identifiers: MedGen C0009405, MeSH D003123.

Submissions (2):

Labcorp Genetics (formerly Invitae), Labcorp
Classification: Likely benign for Hereditary nonpolyposis colorectal neoplasms. Last evaluated: 2023-12-24. Review status: criteria provided, single submitter. Criteria: Invitae Variant Classification Sherloc (09022015). Collection method: clinical testing. Allele origin: germline.

GeneDx
Classification: Likely benign. Last evaluated: 2016-08-09. Review status: criteria provided, single submitter. Criteria: GeneDx Variant Classification (06012015). Collection method: clinical testing. Allele origin: germline. Affected: yes.
Comment: This variant is considered likely benign or benign based on one or more of the following criteria: it is a conservative change, it occurs at a poorly conserved position in the protein, it is predicted to be benign by multiple in silico algorithms, and/or has population frequency not consistent with disease.